The following is an entry in ClinVar:

NM_005918.4(MDH2):c.300T>G (p.Ala100=)

Gene: MDH2 (malate dehydrogenase 2; plus strand). Cytogenetic location: 7q11.23.
Variant type: single nucleotide variant.
Coding change: c.300T>G on transcript NM_005918.4 (MANE Select); coding-DNA position 300, T replaced by G.
Protein change: p.Ala100=; no amino-acid change (alanine 100 retained).
Molecular consequence: synonymous variant. On other transcripts: 5 prime UTR variant (1).
Genome position (GRCh38, 1-based): chr7:76,057,474, T>G. VCF-style: chr7-76057474-T-G. GRCh37 (hg19) VCF-style: chr7-75686792-T-G.
Other names: c.300T>G, p.Ala100= (NM_001282403.2); c.-22T>G (NM_001282404.2).
Identifiers: ClinVar variation 732292 (VCV000732292.34), dbSNP rs140972058, ClinGen allele CA4305483.

ClinVar aggregate classification (germline): Benign/Likely benign. Review status: criteria provided, multiple submitters, no conflicts (2 of 4 stars). 4 submissions from 4 submitters: Benign (1); Likely benign (3). Last evaluated 2025-10-26.

Conditions:
Inborn genetic diseases. Identifiers: MedGen C0950123, MeSH D030342.

Allele frequency attached by ClinVar (database versions not stated): ESP Exome Variant Server 0.00008; TOPMed 0.00021; gnomAD 0.00024 and 0.00025.
gnomAD v4.1: 255 of 1,614,068 alleles (0.016%); highest among the groups gnomAD compares: Admixed American, 0.0033%; no homozygotes.

Submissions (4):

Labcorp Genetics (formerly Invitae), Labcorp
Classification: Benign. Last evaluated: 2025-10-26. Review status: criteria provided, single submitter. Criteria: Invitae Variant Classification Sherloc (09022015). Collection method: clinical testing. Allele origin: germline.

CeGaT Center for Human Genetics Tuebingen
Classification: Likely benign. Last evaluated: 2025-06-01. Review status: criteria provided, single submitter. Criteria: CeGaT Center For Human Genetics Tuebingen Variant Classification Criteria Version 2. Collection method: clinical testing. Allele origin: germline. Affected: yes. Observed: 2 variant alleles.
Comment: MDH2: BP4, BP7

Blueprint Genetics
Classification: Likely benign. Last evaluated: 2023-12-29. Review status: criteria provided, single submitter. Criteria: ACMG Guidelines, 2015. Collection method: clinical testing. Allele origin: germline.

Ambry Genetics
Classification: Likely benign for Inborn genetic diseases. Last evaluated: 2022-02-12. Review status: criteria provided, single submitter. Criteria: Ambry Variant Classification Scheme 2023. Collection method: clinical testing. Allele origin: germline.